The following is an entry in ClinVar:

NM_000027.4(AGA):c.379_380del (p.Leu127fs)

Gene: AGA (aspartylglucosaminidase; minus strand). Cytogenetic location: 4q34.3.
Variant type: Deletion.
Coding change: c.379_380del on transcript NM_000027.4 (MANE Select); coding-DNA positions 379 to 380, 2 bases deleted (TT; older notation c.379_380delTT).
Protein change: p.Leu127fs; shifts the reading frame from leucine 127.
Molecular consequence: frameshift variant. On other transcripts: non-coding transcript variant (1).
Genome position (GRCh38, 1-based): chr4:177,439,590-177,439,591, AA deleted on the plus strand (TT on the coding strand, the reverse complement: AGA is on the minus strand); deleting any 2 consecutive bases within chr4:177,439,590-177,439,593 gives the same sequence; the c. name uses the placement nearest the transcript's 3' end. VCF-style (leftmost placement, unchanged base first): chr4-177439589-TAA-T. GRCh37 (hg19) VCF-style: chr4-178360743-TAA-T.
Other names: c.379_380del, p.Leu127fs (NM_001171988.2); short protein forms L127fs.
Identifiers: ClinVar variation 4817909 (VCV004817909.1).

ClinVar aggregate classification (germline): Likely pathogenic (1 of 4 stars; one submission).

Conditions:
Aspartylglucosaminuria (AGU). Also called: AGA DEFICIENCY; GLYCOASPARAGINASE; GLYCOSYLASPARAGINASE DEFICIENCY; Aspartylglucos-aminuria; Aspartylglucos-amidase (AGA) deficiency. Identifiers: Orphanet 93, MedGen C0268225, MONDO:0008830, OMIM 208400, HP:0012068.

Submission:

Natera, Inc.
Classification: Likely pathogenic for Aspartylglucosaminuria. Last evaluated: 2025-03-09. Review status: criteria provided, single submitter. Criteria: Natera Variant Classification Schema (03/2026). Collection method: clinical testing. Allele origin: germline.
Comment: The c.379_380delTT variant in AGA is a frameshift variant predicted to shift the reading frame beginning at codon 127 and leads to a stop codon 17 codons downstream. This variant is expected to result in nonsense mediated decay, truncation, or a dysfunctional protein product. This variant is rare in the general population with a frequency below the threshold expected for the associated phenotype(s). Given the available evidence, this variant is classified as Likely Pathogenic.